The following is an entry in ClinVar:

NM_024422.6(DSC2):c.367del (p.Arg123fs)

Gene: DSC2 (desmocollin 2; minus strand). Cytogenetic location: 18q12.1.
Variant type: Deletion.
Coding change: c.367del on transcript NM_024422.6 (MANE Select); coding-DNA position 367, one base deleted (A; older notation c.367delA).
Protein change: p.Arg123fs; shifts the reading frame from arginine 123.
Molecular consequence: frameshift variant.
Genome position (GRCh38, 1-based): chr18:31,091,135, T deleted on the plus strand (A on the coding strand, the reverse complement: DSC2 is on the minus strand); the first of 4 consecutive T bases (chr18:31,091,135-31,091,138); deleting any one gives the same sequence. VCF-style (leftmost placement, unchanged base first): chr18-31091134-CT-C. GRCh37 (hg19) VCF-style: chr18-28671097-CT-C.
Other names: c.367del, p.Arg123fs (NM_004949.5); short protein forms R123fs.
Identifiers: ClinVar variation 1172427 (VCV001172427.2), dbSNP rs2144843571, ClinGen allele CA2499225112.

ClinVar aggregate classification (germline): Uncertain significance (1 of 4 stars; one submission).

Conditions:
Cardiomyopathy (CMYO). Also called: Cardiomyopathies. Identifiers: Orphanet 167848, MedGen C0878544, MONDO:0004994, HP:0001638. Inheritance: Various modes of inheritance.

Submission:

Color Diagnostics, LLC DBA Color Health
Classification: Uncertain significance for Cardiomyopathy. Last evaluated: 2020-11-16. Review status: criteria provided, single submitter. Criteria: ACMG Guidelines, 2015. Collection method: clinical testing. Allele origin: germline.
Comment: This variant deletes 1 nucleotide in exon 4 of the DSC2 gene, creating a frameshift and premature translation stop signal. This variant is expected to result in an absent or non-functional protein product. To our knowledge, this variant has not been reported in individuals affected with cardiovascular disorders in the literature. This variant has not been identified in the general population by the Genome Aggregation Database (gnomAD). Although there is a suspicion for a pathogenic role, the clinical relevance of loss-of-function DSC2 truncation and splice variants in autosomal dominant arrhythmogenic cardiomyopathy is not yet clearly established. The available evidence is insufficient to determine the role of this variant in disease conclusively. Therefore, this variant is classified as a Variant of Uncertain Significance.